The following is an entry in ClinVar:

ClinVar aggregate classification (germline): Likely benign (0 of 4 stars; one submission).

Conditions:
MAPK8IP3-related disorder. Also called: MAPK8IP3-related condition.

Allele frequency attached by ClinVar (database versions not stated): 1000 Genomes Project 0.00060; 1000 Genomes Project 30x 0.00062.
gnomAD v4.1: 104 of 1,607,366 alleles (0.0065%); highest among the groups gnomAD compares: African/African-American, 0.13%; no homozygotes.

Submission:

PreventionGenetics, part of Exact Sciences
Classification: Likely benign for MAPK8IP3-related condition. Last evaluated: 2022-02-23. Review status: no assertion criteria provided. Collection method: clinical testing. Allele origin: germline.
Comment: This variant is classified as likely benign based on ACMG/AMP sequence variant interpretation guidelines (Richards et al. 2015 PMID: 25741868, with internal and published modifications).

NM_001318852.2(MAPK8IP3):c.3892+7G>T

Genes: MAPK8IP3 (mitogen-activated protein kinase 8 interacting protein 3; plus strand), LOC130058179 (ATAC-STARR-seq lymphoblastoid active region 10235; plus strand). Cytogenetic location: 16p13.3.
Variant type: single nucleotide variant.
Coding change: c.3892+7G>T on transcript NM_001318852.2 (MANE Select); 7 bases into the intron after coding-DNA position 3892, G replaced by T.
Molecular consequence: intron variant.
Genome position (GRCh38, 1-based): chr16:1,768,633, G>T. VCF-style: chr16-1768633-G-T. GRCh37 (hg19) VCF-style: chr16-1818634-G-T.
Other names: c.3889+7G>T (NM_015133.5); c.3871+7G>T (NM_001040439.2).
Identifiers: ClinVar variation 3051035 (VCV003051035.2), dbSNP rs146699789, ClinGen allele CA7817889.